The following is an entry in ClinVar:

NM_005591.4(MRE11):c.1229A>G (p.Glu410Gly)

Gene: MRE11 (MRE11 double strand break repair nuclease; minus strand). Cytogenetic location: 11q21.
Variant type: single nucleotide variant.
Coding change: c.1229A>G on transcript NM_005591.4 (MANE Select); coding-DNA position 1229, A replaced by G.
Protein change: p.Glu410Gly; replaces glutamic acid 410 with glycine.
Molecular consequence: missense variant.
Genome position (GRCh38, 1-based): chr11:94,461,033, T>C on the plus strand (A>G on the coding strand, the complement: MRE11 is on the minus strand). VCF-style: chr11-94461033-T-C. GRCh37 (hg19) VCF-style: chr11-94194199-T-C.
Other names: c.1229A>G, p.Glu410Gly (NM_001330347.2, NM_005590.4); short protein forms E410G.
Identifiers: ClinVar variation 2594166 (VCV002594166.3), dbSNP rs2496400770, ClinGen allele CA382372480.

ClinVar aggregate classification (germline): Uncertain significance (1 of 4 stars; one submission).

Conditions:
Hereditary cancer-predisposing syndrome. Also called: Tumor predisposition; Hereditary Cancer Syndrome; Hereditary neoplastic syndrome; Neoplastic Syndromes, Hereditary. Identifiers: Orphanet 140162, MedGen C0027672, MeSH D009386, MONDO:0015356.

Allele frequency attached by ClinVar (database versions not stated): gnomAD exomes below 0.00001.
gnomAD v4.1: 3 of 1,611,256 alleles (0.00019%); highest among the groups gnomAD compares: Non-Finnish European, 0.00025%; no homozygotes.

Submission:

Ambry Genetics
Classification: Uncertain significance for Hereditary cancer-predisposing syndrome. Last evaluated: 2025-10-23. Review status: criteria provided, single submitter. Criteria: Ambry Variant Classification Scheme 2023. Collection method: clinical testing. Allele origin: germline.
Comment: The p.E410G variant (also known as c.1229A>G), located in coding exon 11 of the MRE11A gene, results from an A to G substitution at nucleotide position 1229. The glutamic acid at codon 410 is replaced by glycine, an amino acid with similar properties. This amino acid position is conserved. In addition, this alteration is predicted to be tolerated by in silico analysis. Since supporting evidence is limited at this time, the clinical significance of this alteration remains unclear.